The following is an entry in ClinVar:

NM_001348768.2(HECW2):c.2532G>A (p.Pro844=)

Gene: HECW2 (HECT, C2 and WW domain containing E3 ubiquitin protein ligase 2; minus strand). Cytogenetic location: 2q32.3.
Variant type: single nucleotide variant.
Coding change: c.2532G>A on transcript NM_001348768.2 (MANE Select); coding-DNA position 2532, G replaced by A.
Protein change: p.Pro844=; no amino-acid change (proline 844 retained).
Molecular consequence: synonymous variant.
Genome position (GRCh38, 1-based): chr2:196,307,988, C>T on the plus strand (G>A on the coding strand, the complement: HECW2 is on the minus strand). VCF-style: chr2-196307988-C-T. GRCh37 (hg19) VCF-style: chr2-197172712-C-T.
Other names: c.1464G>A, p.Pro488= (NM_001304840.3); c.2532G>A, p.Pro844= (NM_020760.4).
Identifiers: ClinVar variation 3052338 (VCV003052338.2), dbSNP rs752148529, ClinGen allele CA2038056.

ClinVar aggregate classification (germline): Likely benign (0 of 4 stars; one submission).

Conditions:
HECW2-related disorder. Also called: HECW2-related condition.

Allele frequency attached by ClinVar (database versions not stated): ExAC 0.00001; gnomAD 0.00001; TOPMed 0.00001.

Submission:

PreventionGenetics, part of Exact Sciences
Classification: Likely benign for HECW2-related condition. Last evaluated: 2019-08-21. Review status: no assertion criteria provided. Collection method: clinical testing. Allele origin: germline.
Comment: This variant is classified as likely benign based on ACMG/AMP sequence variant interpretation guidelines (Richards et al. 2015 PMID: 25741868, with internal and published modifications).